The following is an entry in ClinVar:

NM_001077350.3(NPRL3):c.118+1082_188+1028del

Genes: HBA-LCR (alpha-globin locus control region; plus strand), NPRL3 (NPR3 like, GATOR1 complex subunit; minus strand). Cytogenetic location: 16p13.3.
Variant type: Deletion.
Coding change: c.118+1082_188+1028del on transcript NM_001077350.3 (MANE Select); 1082 bases into the intron after coding-DNA position 118 through 1028 bases into the intron after coding-DNA position 188, 7,575 bases deleted.
Molecular consequence: splice acceptor variant, splice donor variant.
Genome position (GRCh38, 1-based): chr16:129,494-137,068, 7,575 bases deleted. GRCh37 (hg19): chr16:179,493-187,067.
Other names: c.-254+1082_-184+1028del (NM_001243247.2); c.118+1082_188+1028del (NM_001243248.2, NM_001243249.2); c.-215+1082_-145+1028del (NM_001039476.3).
Identifiers: ClinVar variation 4880210 (VCV004880210.1).

ClinVar aggregate classification (germline): Pathogenic (1 of 4 stars; one submission).

Conditions:
Epilepsy, familial focal, with variable foci 3 (FFEVF3). Identifiers: MedGen C4310708, MONDO:0014925, OMIM 617118.

Submission:

Wales Gene Park, Division Of Cancer and Genetics, Cardiff University
Classification: Pathogenic for Epilepsy, familial focal, with variable foci 3. Last evaluated: 2026-04-28. Review status: criteria provided, single submitter. Criteria: ACGS Best Practice Guidelines for Variant Classification in Rare Disease 2024. Collection method: research. Allele origin: maternal. Inheritance: Autosomal dominant inheritance. Affected: yes. Study: 100,000 Genomes Project (Wales).
Comment: Inherited 7,575 bp deletion in NPRL3 detected by trio genome sequencing. Loss of exon 3 (NM_001077350.3) leading to predicted frameshift. Evidence codes: PVS1, PM2.